The following is an entry in ClinVar:

ClinVar aggregate classification (germline): Pathogenic (1 of 4 stars; one submission).

Submission:

GeneDx
Classification: Pathogenic. Last evaluated: 2013-07-09. Review status: criteria provided, single submitter. Criteria: GeneDx Variant Classification (06012015). Collection method: clinical testing. Allele origin: germline. Affected: yes.
Comment: The G571R missense change in the NLRP3 gene has been reported previously in association with Muckle-Wells syndrome (Dode et al., 2002) and NOMID/CINCA (Hawkins et al., 2004). However, in the Dode study, G571R was also present in the affected individual's healthy mother, suggesting that this mutation displays incomplete penetrance.

NM_001243133.2(NLRP3):c.1705G>A (p.Gly569Arg)

Gene: NLRP3 (NLR family pyrin domain containing 3; plus strand). Cytogenetic location: 1q44.
Variant type: single nucleotide variant.
Coding change: c.1705G>A on transcript NM_001243133.2 (MANE Select); coding-DNA position 1705, G replaced by A.
Protein change: p.Gly569Arg; replaces glycine 569 with arginine.
Molecular consequence: missense variant.
Genome position (GRCh38, 1-based): chr1:247,425,154, G>A. VCF-style: chr1-247425154-G-A. GRCh37 (hg19) VCF-style: chr1-247588456-G-A.
Other names: c.1705G>A, p.Gly569Arg (NM_001079821.3, NM_001127461.3, NM_001127462.3 and 1 more transcripts); c.1711G>A, p.Gly571Arg (NM_004895.5); short protein forms G571R, G569R.
Identifiers: ClinVar variation 234301 (VCV000234301.2), dbSNP rs121908151, ClinGen allele CA10577233.